The following is an entry in ClinVar:

ClinVar aggregate classification (germline): Pathogenic (1 of 4 stars; one submission).

Submission:

Labcorp Genetics (formerly Invitae), Labcorp
Classification: Pathogenic. Last evaluated: 2023-03-20. Review status: criteria provided, single submitter. Criteria: Invitae Variant Classification Sherloc (09022015). Collection method: clinical testing. Allele origin: germline.
Comment: This sequence change creates a premature translational stop signal (p.Gln5*) in the SMOC2 gene. It is expected to result in an absent or disrupted protein product. Loss-of-function variants in SMOC2 are known to be pathogenic (PMID: 22152679, 23317772). This variant is not present in population databases (gnomAD no frequency). This variant has not been reported in the literature in individuals affected with SMOC2-related conditions. For these reasons, this variant has been classified as Pathogenic.

Literature cited by the submitters: PubMed 22152679; PubMed 23317772.

NM_001166412.2(SMOC2):c.13C>T (p.Gln5Ter)

Gene: SMOC2 (SPARC related modular calcium binding 2; plus strand). Cytogenetic location: 6q27.
Variant type: single nucleotide variant.
Coding change: c.13C>T on transcript NM_001166412.2 (MANE Select); coding-DNA position 13, C replaced by T.
Protein change: p.Gln5Ter; replaces glutamine 5 with a stop codon.
Molecular consequence: nonsense.
Genome position (GRCh38, 1-based): chr6:168,441,383, C>T. VCF-style: chr6-168441383-C-T. GRCh37 (hg19) VCF-style: chr6-168842063-C-T.
Other names: c.13C>T, p.Gln5Ter (NM_022138.3); short protein forms Q5*.
Identifiers: ClinVar variation 2871699 (VCV002871699.3), dbSNP rs2483030686, ClinGen allele CA366488384.
Genomic context (GRCh38, chr6:168,441,383, plus strand): 5'-CAGGGCGCAGGACGCGGCCGATCTCCCGCTCCCGCCACCTCCGCCACCATGCTGCTCCCC[C>T]AGCTCTGCTGGCTGCCGCTGCTCGCTGGGCTGCTCCCGCCGGTGCCCGCTCAGAAGTTCT-3'